The following is an entry in ClinVar:

ClinVar aggregate classification (germline): Conflicting classifications of pathogenicity. Review status: criteria provided, conflicting classifications (1 of 4 stars). 4 submissions from 4 submitters: Uncertain significance (3); Likely benign (1). Last evaluated 2025-10-10.

Conditions:
Hereditary cancer-predisposing syndrome. Also called: Tumor predisposition; Hereditary Cancer Syndrome; Hereditary neoplastic syndrome; Neoplastic Syndromes, Hereditary. Identifiers: Orphanet 140162, MedGen C0027672, MeSH D009386, MONDO:0015356.
Lynch syndrome 4 (LYNCH4). Also called: Colorectal cancer, hereditary nonpolyposis, type 4; Hereditary non-polyposis colorectal cancer, type 4. Identifiers: Orphanet 144, MedGen C1838333, MONDO:0013699, OMIM 614337. Disease mechanism: loss of function.
Hereditary nonpolyposis colorectal neoplasms. Identifiers: MedGen C0009405, MeSH D003123.

Allele frequency attached by ClinVar (database versions not stated): gnomAD exomes below 0.00001; TOPMed 0.00001.
gnomAD v4.1: 2 of 1,614,160 alleles (0.00012%); highest among the groups gnomAD compares: East Asian, 0.0045%; no homozygotes.

Submissions (4):

Ambry Genetics
Classification: Uncertain significance for Hereditary cancer-predisposing syndrome. Last evaluated: 2025-10-10. Review status: criteria provided, single submitter. Criteria: Ambry Variant Classification Scheme 2023. Collection method: clinical testing. Allele origin: germline.
Comment: The p.A461V variant (also known as c.1382C>T), located in coding exon 11 of the PMS2 gene, results from a C to T substitution at nucleotide position 1382. The alanine at codon 461 is replaced by valine, an amino acid with similar properties. This amino acid position is poorly conserved in available vertebrate species. In addition, this alteration is predicted to be tolerated by in silico analysis. Since supporting evidence is limited at this time, the clinical significance of this alteration remains unclear.

Molecular Pathology, Peter Maccallum Cancer Centre
Classification: Uncertain significance for Lynch syndrome 4. Last evaluated: 2025-01-31. Review status: criteria provided, single submitter. Criteria: ACMG Guidelines, 2015. Collection method: clinical testing. Allele origin: germline. Inheritance: Autosomal dominant inheritance.

Labcorp Genetics (formerly Invitae), Labcorp
Classification: Uncertain significance for Hereditary nonpolyposis colorectal neoplasms. Last evaluated: 2024-11-06. Review status: criteria provided, single submitter. Criteria: Invitae Variant Classification Sherloc (09022015). Collection method: clinical testing. Allele origin: germline.
Comment: This sequence change replaces alanine, which is neutral and non-polar, with valine, which is neutral and non-polar, at codon 461 of the PMS2 protein (p.Ala461Val). This variant is present in population databases (no rsID available, gnomAD 0.006%). This variant has not been reported in the literature in individuals affected with PMS2-related conditions. ClinVar contains an entry for this variant (Variation ID: 411053). Invitae Evidence Modeling incorporating data from in vitro experimental studies (internal data) indicates that this missense variant is not expected to disrupt PMS2 function with a negative predictive value of 95%. In summary, the available evidence is currently insufficient to determine the role of this variant in disease. Therefore, it has been classified as a Variant of Uncertain Significance.

Color Diagnostics, LLC DBA Color Health
Classification: Likely benign for Hereditary cancer-predisposing syndrome. Last evaluated: 2024-10-17. Review status: criteria provided, single submitter. Criteria: ACMG Guidelines, 2015. Collection method: clinical testing. Allele origin: germline.

NM_000535.7(PMS2):c.1382C>T (p.Ala461Val)

Gene: PMS2 (PMS1 homolog 2, mismatch repair system component; minus strand). Cytogenetic location: 7p22.1.
Variant type: single nucleotide variant.
Coding change: c.1382C>T on transcript NM_000535.7 (MANE Select); coding-DNA position 1382, C replaced by T.
Protein change: p.Ala461Val; replaces alanine 461 with valine.
Molecular consequence: missense variant. On other transcripts: non-coding transcript variant (1).
Genome position (GRCh38, 1-based): chr7:5,987,383, G>A on the plus strand (C>T on the coding strand, the complement: PMS2 is on the minus strand). VCF-style: chr7-5987383-G-A. GRCh37 (hg19) VCF-style: chr7-6027014-G-A.
Other names: c.977C>T, p.Ala326Val (NM_001322003.2, NM_001322004.2, NM_001322005.2 and 1 more transcripts); c.1226C>T, p.Ala409Val (NM_001322006.2); c.1064C>T, p.Ala355Val (NM_001322007.2, NM_001322008.2); c.821C>T, p.Ala274Val (NM_001322010.2); c.449C>T, p.Ala150Val (NM_001322011.2, NM_001322012.2); c.809C>T, p.Ala270Val (NM_001322013.2); c.1382C>T, p.Ala461Val (NM_001322014.2); c.1073C>T, p.Ala358Val (NM_001322015.2); short protein forms A461V, A358V, A150V, A274V, A270V, A326V, A355V, A409V.
Identifiers: ClinVar variation 411053 (VCV000411053.18), dbSNP rs1060503133, ClinGen allele CA16612221.